The following is an entry in ClinVar:

NM_201253.3(CRB1):c.1172-2A>G

Gene: CRB1 (crumbs cell polarity complex component 1; plus strand). Cytogenetic location: 1q31.3.
Variant type: single nucleotide variant.
Coding change: c.1172-2A>G on transcript NM_201253.3 (MANE Select); the canonical splice acceptor site of the intron before coding-DNA position 1172, A replaced by G.
Molecular consequence: splice acceptor variant.
Genome position (GRCh38, 1-based): chr1:197,420,998, A>G. VCF-style: chr1-197420998-A-G. GRCh37 (hg19) VCF-style: chr1-197390128-A-G.
Other names: c.965-2A>G (NM_001257965.2); c.1172-2A>G (NM_001257966.2); c.836-2A>G (NM_001193640.2).
Identifiers: ClinVar variation 1066483 (VCV001066483.8), dbSNP rs2125468772, ClinGen allele CA344027934.

ClinVar aggregate classification (germline): Likely pathogenic. Review status: criteria provided, multiple submitters, no conflicts (2 of 4 stars). 2 submissions from 2 submitters: Likely pathogenic (2). Last evaluated 2024-03-07.

Conditions:
Retinitis pigmentosa 12 (RP12). Also called: RP WITH OR WITHOUT PPRPE; RP WITH OR WITHOUT PRESERVED PARAARTERIOLE RETINAL PIGMENT EPITHELIUM; RETINITIS PIGMENTOSA WITH OR WITHOUT PARAARTERIOLAR PRESERVATION OF RETINAL PIGMENT EPITHELIUM. Identifiers: Orphanet 791, MedGen C1838647, MONDO:0010818, OMIM 600105.
Leber congenital amaurosis 8 (LCA8). Identifiers: Orphanet 65, MedGen C3151202, MONDO:0013453, OMIM 613835.

Allele frequency attached by ClinVar (database versions not stated): gnomAD exomes below 0.00001.
gnomAD v4.1: 4 of 1,509,454 alleles (0.00026%); highest among the groups gnomAD compares: South Asian, 0.0045%; no homozygotes.

Submissions (2):

Labcorp Genetics (formerly Invitae), Labcorp
Classification: Likely pathogenic for Leber congenital amaurosis 8; Retinitis pigmentosa 12. Last evaluated: 2024-03-07. Review status: criteria provided, single submitter. Criteria: Invitae Variant Classification Sherloc (09022015). Collection method: clinical testing. Allele origin: germline.
Comment: This sequence change affects an acceptor splice site in intron 5 of the CRB1 gene. It is expected to disrupt RNA splicing. Variants that disrupt the donor or acceptor splice site typically lead to a loss of protein function (PMID: 16199547), and loss-of-function variants in CRB1 are known to be pathogenic (PMID: 10508521, 22065545, 23379534, 25412400, 26957898, 28041643, 29391521). This variant is not present in population databases (gnomAD no frequency). This variant has not been reported in the literature in individuals affected with CRB1-related conditions. ClinVar contains an entry for this variant (Variation ID: 1066483). Algorithms developed to predict the effect of sequence changes on RNA splicing suggest that this variant may disrupt the consensus splice site. In summary, the currently available evidence indicates that the variant is pathogenic, but additional data are needed to prove that conclusively. Therefore, this variant has been classified as Likely Pathogenic.

Baylor Genetics
Classification: Likely pathogenic for Leber congenital amaurosis 8. Last evaluated: 2024-01-02. Review status: criteria provided, single submitter. Criteria: ACMG Guidelines, 2015. Collection method: clinical testing. Allele origin: unknown.

Literature cited by the submitters: PubMed 16199547 (cited by Labcorp Genetics (formerly Invitae), Labcorp); PubMed 10508521 (cited by Labcorp Genetics (formerly Invitae), Labcorp); PubMed 22065545 (cited by Labcorp Genetics (formerly Invitae), Labcorp); PubMed 23379534 (cited by Labcorp Genetics (formerly Invitae), Labcorp); PubMed 25412400 (cited by Labcorp Genetics (formerly Invitae), Labcorp); PubMed 26957898 (cited by Labcorp Genetics (formerly Invitae), Labcorp); PubMed 28041643 (cited by Labcorp Genetics (formerly Invitae), Labcorp); PubMed 29391521 (cited by Labcorp Genetics (formerly Invitae), Labcorp).